The following is an entry in ClinVar:

ClinVar aggregate classification (germline): Likely benign. Review status: criteria provided, multiple submitters, no conflicts (2 of 4 stars). 2 submissions from 2 submitters: Likely benign (2). Last evaluated 2026-01-01.

Allele frequency attached by ClinVar (database versions not stated): ExAC 0.00002; gnomAD 0.00003; TOPMed 0.00004; gnomAD exomes 0.00005; ESP Exome Variant Server 0.00015.

Submissions (2):

CeGaT Center for Human Genetics Tuebingen
Classification: Likely benign. Last evaluated: 2026-01-01. Review status: criteria provided, single submitter. Criteria: CeGaT Center For Human Genetics Tuebingen Variant Classification Criteria Version 2. Collection method: clinical testing. Allele origin: germline. Affected: yes. Observed: 1 variant allele.
Comment: ABCA3: BP4, BP7

Labcorp Genetics (formerly Invitae), Labcorp
Classification: Likely benign. Last evaluated: 2025-12-02. Review status: criteria provided, single submitter. Criteria: Invitae Variant Classification Sherloc (09022015). Collection method: clinical testing. Allele origin: germline.

NM_001089.3(ABCA3):c.957C>T (p.Ala319=)

Gene: ABCA3 (ATP binding cassette subfamily A member 3; minus strand). Cytogenetic location: 16p13.3.
Variant type: single nucleotide variant.
Coding change: c.957C>T on transcript NM_001089.3 (MANE Select); coding-DNA position 957, C replaced by T.
Protein change: p.Ala319=; no amino-acid change (alanine 319 retained).
Molecular consequence: synonymous variant.
Genome position (GRCh38, 1-based): chr16:2,317,681, G>A on the plus strand (C>T on the coding strand, the complement: ABCA3 is on the minus strand). VCF-style: chr16-2317681-G-A. GRCh37 (hg19) VCF-style: chr16-2367682-G-A.
Identifiers: ClinVar variation 2919815 (VCV002919815.7), dbSNP rs368050715, ClinGen allele CA7841440.